The following is an entry in ClinVar:

NM_001142864.4(PIEZO1):c.2907C>T (p.Ser969=)

Genes: HSALR1 (HSP90AB1 associated lncRNA 1; plus strand), PIEZO1 (piezo type mechanosensitive ion channel component 1 (Er blood group); minus strand). Cytogenetic location: 16q24.3.
Variant type: single nucleotide variant.
Coding change: c.2907C>T on transcript NM_001142864.4 (MANE Select); coding-DNA position 2907, C replaced by T.
Protein change: p.Ser969=; no amino-acid change (serine 969 retained).
Molecular consequence: synonymous variant.
Genome position (GRCh38, 1-based): chr16:88,732,419, G>A on the plus strand (C>T on the coding strand, the complement: PIEZO1 is on the minus strand). VCF-style: chr16-88732419-G-A. GRCh37 (hg19) VCF-style: chr16-88798827-G-A.
Identifiers: ClinVar variation 748172 (VCV000748172.11), dbSNP rs754595848, ClinGen allele CA8232676.

ClinVar aggregate classification (germline): Likely benign. Review status: criteria provided, multiple submitters, no conflicts (2 of 4 stars). 3 submissions from 3 submitters: Likely benign (2). 1 of the submissions does not count toward it. Last evaluated 2025-07-06.

Conditions:
PIEZO1-related disorder. Also called: PIEZO1-Related Disorders; PIEZO1-related condition.

Allele frequency attached by ClinVar (database versions not stated): ExAC 0.00005; gnomAD 0.00020 and 0.00022; TOPMed 0.00021.
gnomAD v4.1: 173 of 1,549,612 alleles (0.011%); highest among the groups gnomAD compares: African/African-American, 0.067%; 1 homozygote.

Submissions (3):

Labcorp Genetics (formerly Invitae), Labcorp
Classification: Likely benign. Last evaluated: 2025-07-06. Review status: criteria provided, single submitter. Criteria: Invitae Variant Classification Sherloc (09022015). Collection method: clinical testing. Allele origin: germline.

ARUP Laboratories, Molecular Genetics and Genomics, ARUP Laboratories
Classification: Likely benign. Last evaluated: 2025-03-07. Review status: criteria provided, single submitter. Criteria: ARUP Molecular Germline Variant Investigation Process 2024. Collection method: clinical testing. Allele origin: germline.

PreventionGenetics, part of Exact Sciences
Classification: Likely benign for PIEZO1-related condition. Last evaluated: 2019-03-22. Review status: no assertion criteria provided. Collection method: clinical testing. Allele origin: germline. Not counted in ClinVar's aggregate classification.
Comment: This variant is classified as likely benign based on ACMG/AMP sequence variant interpretation guidelines (Richards et al. 2015 PMID: 25741868, with internal and published modifications).